The following is an entry in ClinVar:

ClinVar aggregate classification (germline): Pathogenic (1 of 4 stars; one submission).

Conditions:
Lynch syndrome 5 (LYNCH5). Also called: Colorectal cancer, hereditary nonpolyposis, type 5; Hereditary non-polyposis colorectal cancer, type 5. Identifiers: Orphanet 144, MedGen C1833477, MONDO:0013710, OMIM 614350. Disease mechanism: loss of function.

Submission:

Myriad Genetics, Inc.
Classification: Pathogenic for Lynch syndrome 5. Last evaluated: 2023-08-16. Review status: criteria provided, single submitter. Criteria: Myriad Autosomal Dominant, Autosomal Recessive and X-Linked Classification Criteria (2023). Collection method: clinical testing. Allele origin: unknown.
Comment: This variant is considered pathogenic. This variant creates a frameshift predicted to result in premature protein truncation.

NM_000179.3(MSH6):c.2100_2105delinsA (p.Leu701fs)

Gene: MSH6 (mutS homolog 6; plus strand). Cytogenetic location: 2p16.3.
Variant type: Indel.
Coding change: c.2100_2105delinsA on transcript NM_000179.3 (MANE Select); coding-DNA positions 2100 to 2105, TTTATC replaced by A.
Protein change: p.Leu701fs; shifts the reading frame from leucine 701.
Molecular consequence: frameshift variant. On other transcripts: non-coding transcript variant (5), intron variant (2).
Genome position (GRCh38, 1-based): chr2:47,800,083-47,800,088, TTTATC replaced by A. VCF-style: chr2-47800083-TTTATC-A. GRCh37 (hg19) VCF-style: chr2-48027222-TTTATC-A.
Other names: c.1710_1715delinsA, p.Leu571fs (NM_001281492.2); c.1194_1199delinsA, p.Leu399fs (NM_001281493.2, NM_001281494.2, NM_001406811.1 and 6 more transcripts); c.2196_2201delinsA, p.Leu733fs (NM_001406795.1, NM_001406802.1); c.2100_2105delinsA, p.Leu701fs (NM_001406796.1, NM_001406798.1, NM_001406800.1 and 3 more transcripts); c.1803_1808delinsA, p.Leu602fs (NM_001406797.1, NM_001406801.1, NM_001406805.1 and 10 more transcripts); c.1575_1580delinsA, p.Leu526fs (NM_001406799.1, NM_001406806.1, NM_001406807.1); c.2022_2027delinsA, p.Leu675fs (NM_001406804.1); c.2106_2111delinsA, p.Leu703fs (NM_001406813.1); and 3 more; short protein forms L399fs, L526fs, L571fs, L602fs, L645fs, L675fs, L701fs, L703fs.
Identifiers: ClinVar variation 2673760 (VCV002673760.1), dbSNP rs2530650709, ClinGen allele CA2695200661.